The following is an entry in ClinVar:

NM_003597.5(KLF11):c.241G>A (p.Val81Ile)

Gene: KLF11 (KLF transcription factor 11; plus strand). Cytogenetic location: 2p25.1.
Variant type: single nucleotide variant.
Coding change: c.241G>A on transcript NM_003597.5 (MANE Select); coding-DNA position 241, G replaced by A.
Protein change: p.Val81Ile; replaces valine 81 with isoleucine.
Molecular consequence: missense variant.
Genome position (GRCh38, 1-based): chr2:10,046,348, G>A. VCF-style: chr2-10046348-G-A. GRCh37 (hg19) VCF-style: chr2-10186475-G-A.
Other names: c.190G>A, p.Val64Ile (NM_001177716.2, NM_001177718.2); c.241G>A (NM_003597.4); short protein forms V64I, V81I.
Identifiers: ClinVar variation 2718635 (VCV002718635.4), dbSNP rs200260496, ClinGen allele CA1525436.
Genomic context (GRCh38, chr2:10,046,348, plus strand): 5'-TCCCAGAAAGGTGACCTGTTGCGGATAAGACCCCTCACGCCTGTCTCTGACTCTGGGGAT[G>A]TCACCACCACTGTGCATATGGATGCAGCCACACCTGAACTACCAAAAGACTTCCATTCTT-3'
Protein context (NP_003588.1, residues 71-91): PLTPVSDSGD[Val81Ile]TTTVHMDAAT

ClinVar aggregate classification (germline): Uncertain significance. Review status: criteria provided, multiple submitters, no conflicts (2 of 4 stars). 2 submissions from 2 submitters: Uncertain significance (2). Last evaluated 2025-11-02.

Allele frequency attached by ClinVar (database versions not stated): gnomAD 0.00009; ExAC 0.00006; gnomAD exomes 0.00018; ESP Exome Variant Server 0.00008; TOPMed 0.00009.
gnomAD v4.1: 268 of 1,614,072 alleles (0.017%); highest among the groups gnomAD compares: Non-Finnish European, 0.022%; no homozygotes.

Submissions (2):

Ambry Genetics
Classification: Uncertain significance. Last evaluated: 2025-11-02. Review status: criteria provided, single submitter. Criteria: Ambry Variant Classification Scheme 2023. Collection method: clinical testing. Allele origin: germline.

Labcorp Genetics (formerly Invitae), Labcorp
Classification: Uncertain significance. Last evaluated: 2025-10-02. Review status: criteria provided, single submitter. Criteria: Invitae Variant Classification Sherloc (09022015). Collection method: clinical testing. Allele origin: germline.
Comment: This sequence change replaces valine, which is neutral and non-polar, with isoleucine, which is neutral and non-polar, at codon 81 of the KLF11 protein (p.Val81Ile). This variant is present in population databases (rs200260496, gnomAD 0.02%). This variant has not been reported in the literature in individuals affected with KLF11-related conditions. ClinVar contains an entry for this variant (Variation ID: 2718635). An algorithm developed to predict the effect of missense changes on protein structure and function outputs the following: PolyPhen-2: "Benign". The isoleucine amino acid residue is found in multiple mammalian species, which suggests that this missense change does not adversely affect protein function. In summary, the available evidence is currently insufficient to determine the role of this variant in disease. Therefore, it has been classified as a Variant of Uncertain Significance.